The following is an entry in ClinVar:

ClinVar aggregate classification (germline): Uncertain significance (1 of 4 stars; one submission).

Conditions:
Progressive familial heart block type IB (PFHB1B). Identifiers: Orphanet 871, MedGen C1970298, MONDO:0011474, OMIM 604559.

Submission:

Labcorp Genetics (formerly Invitae), Labcorp
Classification: Uncertain significance for Progressive familial heart block type IB. Last evaluated: 2020-03-05. Review status: criteria provided, single submitter. Criteria: Invitae Variant Classification Sherloc (09022015). Collection method: clinical testing. Allele origin: germline.
Comment: This sequence change replaces tyrosine with cysteine at codon 790 of the TRPM4 protein (p.Tyr790Cys). The tyrosine residue is moderately conserved and there is a large physicochemical difference between tyrosine and cysteine. This variant is not present in population databases (ExAC no frequency). This variant has not been reported in the literature in individuals with TRPM4-related conditions. Algorithms developed to predict the effect of missense changes on protein structure and function are either unavailable or do not agree on the potential impact of this missense change (SIFT: "Deleterious"; PolyPhen-2: "Probably Damaging"; Align-GVGD: "Class C0"). In summary, the available evidence is currently insufficient to determine the role of this variant in disease. Therefore, it has been classified as a Variant of Uncertain Significance.

NM_017636.4(TRPM4):c.2369A>G (p.Tyr790Cys)

Gene: TRPM4 (transient receptor potential cation channel subfamily M member 4; plus strand). Cytogenetic location: 19q13.33.
Variant type: single nucleotide variant.
Coding change: c.2369A>G on transcript NM_017636.4 (MANE Select); coding-DNA position 2369, A replaced by G.
Protein change: p.Tyr790Cys; replaces tyrosine 790 with cysteine.
Molecular consequence: missense variant. On other transcripts: intron variant (1).
Genome position (GRCh38, 1-based): chr19:49,196,598, A>G. VCF-style: chr19-49196598-A-G. GRCh37 (hg19) VCF-style: chr19-49699855-A-G.
Other names: c.2024A>G, p.Tyr675Cys (NM_001321281.2); c.761A>G, p.Tyr254Cys (NM_001321282.2); c.1847A>G, p.Tyr616Cys (NM_001321283.2); c.1307A>G, p.Tyr436Cys (NM_001321285.2); c.2211-3702A>G (NM_001195227.2); short protein forms Y616C, Y254C, Y436C, Y675C, Y790C.
Identifiers: ClinVar variation 834215 (VCV000834215.9), dbSNP rs1968651353, ClinGen allele CA406809041.
Genomic context (GRCh38, chr19:49,196,598, plus strand): 5'-GCCGCTGGTTCCACTTCTGGGGCGCGCCGGTGACCATCTTCATGGGCAACGTGGTCAGCT[A>G]CCTGCTGTTCCTGCTGCTTTTCTCGCGGGTGCTGCTCGTGGATTTCCAGCCGGCGCCGCC-3'
Protein context (NP_060106.2, residues 780-800): VTIFMGNVVS[Tyr790Cys]LLFLLLFSRV